The following is an entry in ClinVar:

ClinVar aggregate classification (germline): Uncertain significance. Review status: criteria provided, multiple submitters, no conflicts (2 of 4 stars). 4 submissions from 4 submitters: Uncertain significance (3). 1 of the submissions does not count toward it. Last evaluated 2024-06-14.

Conditions:
Bardet-Biedl syndrome 2 (BBS2). Identifiers: Orphanet 110, MedGen C2936863, MONDO:0014432, OMIM 615981.
Retinitis pigmentosa 74 (RP74). Identifiers: Orphanet 791, MedGen C4225281, MONDO:0014692, OMIM 616562.
Inborn genetic diseases. Identifiers: MedGen C0950123, MeSH D030342.
BBS2-related disorder. Also called: BBS2-related disorders; BBS2-related condition. Identifiers: MedGen CN239228.

Allele frequency attached by ClinVar (database versions not stated): ExAC 0.00002; gnomAD exomes 0.00002; TOPMed 0.00002; gnomAD 0.00003.
gnomAD v4.1: 26 of 1,613,958 alleles (0.0016%); highest among the groups gnomAD compares: South Asian, 0.0088%; no homozygotes.

Submissions (4):

Fulgent Genetics
Classification: Uncertain significance for Bardet-Biedl syndrome 2; Retinitis pigmentosa 74. Last evaluated: 2024-06-14. Review status: criteria provided, single submitter. Criteria: ACMG Guidelines, 2015. Collection method: clinical testing. Allele origin: germline.

Ambry Genetics
Classification: Uncertain significance for Inborn genetic diseases. Last evaluated: 2022-07-27. Review status: criteria provided, single submitter. Criteria: Ambry Variant Classification Scheme 2023. Collection method: clinical testing. Allele origin: germline.

Blueprint Genetics
Classification: Uncertain significance. Last evaluated: 2019-08-20. Review status: criteria provided, single submitter. Criteria: ACMG Guidelines, 2015. Collection method: clinical testing. Allele origin: germline.

PreventionGenetics, part of Exact Sciences
Classification: Uncertain significance for BBS2-related condition. Last evaluated: 2024-07-01. Review status: no assertion criteria provided. Collection method: clinical testing. Allele origin: germline. Not counted in ClinVar's aggregate classification.
Comment: The BBS2 c.2057G>A variant is predicted to result in the amino acid substitution p.Arg686Gln. To our knowledge, this variant has not been reported in the literature. This variant is reported in 0.0050% of alleles in individuals of East Asian descent in gnomAD. At this time, the clinical significance of this variant is uncertain due to the absence of conclusive functional and genetic evidence.

NM_031885.5(BBS2):c.2057G>A (p.Arg686Gln)

Gene: BBS2 (Bardet-Biedl syndrome 2; minus strand). Cytogenetic location: 16q13.
Variant type: single nucleotide variant.
Coding change: c.2057G>A on transcript NM_031885.5 (MANE Select); coding-DNA position 2057, G replaced by A.
Protein change: p.Arg686Gln; replaces arginine 686 with glutamine.
Molecular consequence: missense variant. On other transcripts: non-coding transcript variant (5).
Genome position (GRCh38, 1-based): chr16:56,485,592, C>T on the plus strand (G>A on the coding strand, the complement: BBS2 is on the minus strand). VCF-style: chr16-56485592-C-T. GRCh37 (hg19) VCF-style: chr16-56519504-C-T.
Other names: c.2057G>A, p.Arg686Gln (NM_001377456.1); short protein forms R686Q.
Identifiers: ClinVar variation 2376691 (VCV002376691.5), dbSNP rs779237367, ClinGen allele CA8065550.